The following is an entry in ClinVar:

NM_001844.5(COL2A1):c.3190G>T (p.Val1064Leu)

Gene: COL2A1 (collagen type II alpha 1 chain; minus strand). Cytogenetic location: 12q13.11.
Variant type: single nucleotide variant.
Coding change: c.3190G>T on transcript NM_001844.5 (MANE Select); coding-DNA position 3190, G replaced by T.
Protein change: p.Val1064Leu; replaces valine 1064 with leucine.
Molecular consequence: missense variant.
Genome position (GRCh38, 1-based): chr12:47,977,403, C>A on the plus strand (G>T on the coding strand, the complement: COL2A1 is on the minus strand). VCF-style: chr12-47977403-C-A. GRCh37 (hg19) VCF-style: chr12-48371186-C-A.
Other names: c.2983G>T, p.Val995Leu (NM_033150.3); short protein forms V1064L, V995L.
Identifiers: ClinVar variation 1716247 (VCV001716247.5), dbSNP rs763248048, ClinGen allele CA384540427.

ClinVar aggregate classification (germline): Uncertain significance (1 of 4 stars; one submission).

Submission:

Labcorp Genetics (formerly Invitae), Labcorp
Classification: Uncertain significance. Last evaluated: 2022-08-12. Review status: criteria provided, single submitter. Criteria: Invitae Variant Classification Sherloc (09022015). Collection method: clinical testing. Allele origin: germline.
Comment: Advanced modeling of protein sequence and biophysical properties (such as structural, functional, and spatial information, amino acid conservation, physicochemical variation, residue mobility, and thermodynamic stability) performed at Invitae indicates that this missense variant is not expected to disrupt COL2A1 protein function. This sequence change replaces valine, which is neutral and non-polar, with leucine, which is neutral and non-polar, at codon 1064 of the COL2A1 protein (p.Val1064Leu). This variant is not present in population databases (gnomAD no frequency). This variant has not been reported in the literature in individuals affected with COL2A1-related conditions. In summary, the available evidence is currently insufficient to determine the role of this variant in disease. Therefore, it has been classified as a Variant of Uncertain Significance.